The following is an entry in ClinVar:

ClinVar aggregate classification (germline): Pathogenic (1 of 4 stars; one submission).

Conditions:
Breast-ovarian cancer, familial, susceptibility to, 2 (BROVCA2). Also called: BRCA2 Hereditary Breast and Ovarian Cancer. Identifiers: Orphanet 145, MedGen C2675520, MONDO:0012933, OMIM 612555. Disease mechanism: loss of function.

Submission:

Myriad Genetics, Inc.
Classification: Pathogenic for Breast-ovarian cancer, familial, susceptibility to, 2. Last evaluated: 2023-05-02. Review status: criteria provided, single submitter. Criteria: Myriad Autosomal Dominant, Autosomal Recessive and X-Linked Classification Criteria (2023). Collection method: clinical testing. Allele origin: unknown.
Comment: This variant is considered pathogenic. This variant creates a frameshift predicted to result in premature protein truncation.

NM_000059.4(BRCA2):c.1435del (p.Asp479fs)

Gene: BRCA2 (BRCA2 DNA repair associated; plus strand). Cytogenetic location: 13q13.1.
Variant type: Deletion.
Coding change: c.1435del on transcript NM_000059.4 (MANE Select); coding-DNA position 1435, one base deleted (G; older notation c.1435delG).
Protein change: p.Asp479fs; shifts the reading frame from aspartic acid 479.
Molecular consequence: frameshift variant. On other transcripts: non-coding transcript variant (1), intron variant (1).
Genome position (GRCh38, 1-based): chr13:32,332,913, G deleted. VCF-style (leftmost placement, unchanged base first): chr13-32332912-AG-A. GRCh37 (hg19) VCF-style: chr13-32907049-AG-A.
Other names: c.1435del, p.Asp479fs (NM_001406719.1, NM_001406720.1, NM_001406721.1); c.424+1883del (NM_001406722.1); short protein forms D479fs.
Identifiers: ClinVar variation 2583809 (VCV002583809.2), dbSNP rs2533258726, ClinGen allele CA2582341834.